The following is an entry in ClinVar:

NM_001042492.3(NF1):c.5559_5560dup (p.Leu1854fs)

Gene: NF1 (neurofibromin 1; plus strand). Cytogenetic location: 17q11.2.
Variant type: Microsatellite.
Coding change: c.5559_5560dup on transcript NM_001042492.3 (MANE Select); coding-DNA positions 5559 to 5560, 2 bases duplicated (AC; older notation c.5559_5560dupAC).
Protein change: p.Leu1854fs; shifts the reading frame from leucine 1854.
Molecular consequence: frameshift variant.
Genome position (GRCh38, 1-based): chr17:31,327,789-31,327,790, AC duplicated; duplicating any 2 consecutive bases within chr17:31,327,787-31,327,790 gives the same sequence; the c. name uses the placement nearest the transcript's 3' end. VCF-style (leftmost placement, unchanged base first): chr17-31327786-G-GAC. GRCh37 (hg19) VCF-style: chr17-29654804-G-GAC.
Other names: c.5494_5495AC[3], p.Leu1833Hisfs (NM_000267.4); short protein forms L1854fs, L1833fs.
Identifiers: ClinVar variation 2759761 (VCV002759761.3), dbSNP rs2508708091, ClinGen allele CA2697559651.

ClinVar aggregate classification (germline): Pathogenic (1 of 4 stars; one submission).

Conditions:
Neurofibromatosis, type 1 (NF1). Also called: VON RECKLINGHAUSEN DISEASE; NEUROFIBROMATOSIS, TYPE I, SOMATIC; Peripheral type neurofibromatosis; Neurofibromatosis, type I. Identifiers: Orphanet 636, MedGen C0027831, MONDO:0018975, OMIM 162200. Disease mechanism: loss of function.

Submission:

Labcorp Genetics (formerly Invitae), Labcorp
Classification: Pathogenic for Neurofibromatosis, type 1. Last evaluated: 2023-09-10. Review status: criteria provided, single submitter. Criteria: Invitae Variant Classification Sherloc (09022015). Collection method: clinical testing. Allele origin: germline.
Comment: For these reasons, this variant has been classified as Pathogenic. This variant has not been reported in the literature in individuals affected with NF1-related conditions. This variant is not present in population databases (gnomAD no frequency). This sequence change creates a premature translational stop signal (p.Leu1833Hisfs*10) in the NF1 gene. It is expected to result in an absent or disrupted protein product. Loss-of-function variants in NF1 are known to be pathogenic (PMID: 10712197, 23913538).

Literature cited by the submitters: PubMed 10712197; PubMed 23913538.